The following is an entry in ClinVar:

ClinVar aggregate classification (germline): Likely pathogenic (1 of 4 stars; one submission).

Conditions:
Rhabdoid tumor predisposition syndrome 2 (RTPS2). Identifiers: Orphanet 231108, Orphanet 69077, MedGen C2750074, MONDO:0013224, OMIM 613325.

Submission:

Labcorp Genetics (formerly Invitae), Labcorp
Classification: Likely pathogenic for Rhabdoid tumor predisposition syndrome 2. Last evaluated: 2022-02-18. Review status: criteria provided, single submitter. Criteria: Invitae Variant Classification Sherloc (09022015). Collection method: clinical testing. Allele origin: germline.
Comment: This variant is not present in population databases (gnomAD no frequency). In summary, the currently available evidence indicates that the variant is pathogenic, but additional data are needed to prove that conclusively. Therefore, this variant has been classified as Likely Pathogenic. Algorithms developed to predict the effect of sequence changes on RNA splicing suggest that this variant may disrupt the consensus splice site. This variant has not been reported in the literature in individuals affected with SMARCA4-related conditions. This sequence change affects an acceptor splice site in intron 28 of the SMARCA4 gene. It is expected to disrupt RNA splicing. Variants that disrupt the donor or acceptor splice site typically lead to a loss of protein function (PMID: 16199547), and loss-of-function variants in SMARCA4 are known to be pathogenic (PMID: 24658001, 24658002).

Literature cited by the submitters: PubMed 16199547; PubMed 24658001; PubMed 24658002.

NM_003072.5(SMARCA4):c.3952-2A>G

Gene: SMARCA4 (SWI/SNF related BAF chromatin remodeling complex subunit ATPase 4; plus strand). Cytogenetic location: 19p13.2.
Variant type: single nucleotide variant.
Coding change: c.3952-2A>G on transcript NM_003072.5 (MANE Select); the canonical splice acceptor site of the intron before coding-DNA position 3952, A replaced by G.
Molecular consequence: splice acceptor variant.
Genome position (GRCh38, 1-based): chr19:11,034,912, A>G. VCF-style: chr19-11034912-A-G. GRCh37 (hg19) VCF-style: chr19-11145588-A-G.
Other names: c.3952-2A>G (NM_001128844.3, NM_001128849.3, NM_001387283.1); c.3853-2A>G (NM_001128847.4, NM_001411150.1, NM_001374457.1 and 3 more transcripts).
Identifiers: ClinVar variation 1466500 (VCV001466500.8), dbSNP rs1308562238, ClinGen allele CA404067974.
Genomic context (GRCh38, chr19:11,034,912, plus strand): 5'-GCTCTAGCGTGCCCCTGGTGCCTGCATGCTGATGCCTCTCCCGTTGCCTCCCTGCCCACC[A>G]GCGCATGGACCTGGACCGCAGGCGCGAGGAGGCCCGCAACCCCAAGCGGAAGCCGCGCCT-3'